The following is an entry in ClinVar:

NM_000141.5(FGFR2):c.*1301C>T

Gene: FGFR2 (fibroblast growth factor receptor 2; minus strand). Cytogenetic location: 10q26.13.
Variant type: single nucleotide variant.
Coding change: c.*1301C>T on transcript NM_000141.5 (MANE Select); 1301 bases downstream of the stop codon, C replaced by T.
Molecular consequence: 3 prime UTR variant. On other transcripts: non-coding transcript variant (1).
Genome position (GRCh38, 1-based): chr10:121,478,556, G>A on the plus strand (C>T on the coding strand, the complement: FGFR2 is on the minus strand). VCF-style: chr10-121478556-G-A. GRCh37 (hg19) VCF-style: chr10-123238070-G-A.
Other names: c.*1301C>T (NM_001144914.1, NM_001144916.2, NM_001144917.2 and 5 more transcripts); c.*1025C>T (NM_001144915.2).
Identifiers: ClinVar variation 298979 (VCV000298979.5), dbSNP rs71640261, ClinGen allele CA10631059.

ClinVar aggregate classification (germline): Benign/Likely benign. Review status: criteria provided, single submitter (1 of 4 stars). 5 submissions from 1 submitter: Benign (4); Likely benign (1). Last evaluated 2018-01-12.

Conditions:
Beare-Stevenson cutis gyrata syndrome (BSTVS). Identifiers: Orphanet 1555, MedGen C1852406, MONDO:0007412, OMIM 123790.
Saethre-Chotzen syndrome (SCS). Also called: ACROCEPHALY, SKULL ASYMMETRY, AND MILD SYNDACTYLY; ACS III; CHOTZEN SYNDROME. Identifiers: Orphanet 794, MedGen C0175699, MONDO:0007042, OMIM 101400.
Isolated Coronal Synostosis. Identifiers: MedGen CN043619.
Crouzon syndrome. Also called: CRANIOFACIAL DYSOSTOSIS, TYPE I; Craniofacial dysostosis; Craniofacial dysostosis type 1; Crouzon craniofacial dysostosis; Crouzon disease. Identifiers: Orphanet 207, MedGen C0010273, MeSH D003394, MONDO:0007405, OMIM 123500, HP:0004439.
Craniosynostosis syndrome. Also called: Craniosynostosis. Identifiers: Orphanet 1531, MedGen C0010278, MeSH D003398, MONDO:0015469, HP:0001363.

Allele frequency attached by ClinVar (database versions not stated): gnomAD 0.00159; TOPMed 0.00236; 1000 Genomes Project 30x 0.00312; 1000 Genomes Project 0.00339.
gnomAD v4.1: 631 of 233,242 alleles (0.27%); highest among the groups gnomAD compares: Admixed American, 0.48%; 2 homozygotes.

Submissions (5):

Illumina Laboratory Services, Illumina
Classification: Benign for Beare-Stevenson cutis gyrata syndrome. Last evaluated: 2018-01-12. Review status: criteria provided, single submitter. Criteria: ICSL Variant Classification Criteria 13 December 2019. Collection method: clinical testing. Allele origin: germline.
Comment: This variant was observed in the ICSL laboratory as part of a predisposition screen in an ostensibly healthy population. It had not been previously curated by ICSL or reported in the Human Gene Mutation Database (HGMD: prior to June 1st, 2018), and was therefore a candidate for classification through an automated scoring system. Utilizing variant allele frequency, disease prevalence and penetrance estimates, and inheritance mode, an automated score was calculated to assess if this variant is too frequent to cause the disease. Based on the score and internal cut-off values, a variant classified as benign is not then subjected to further curation. The score for this variant resulted in a classification of benign for this disease.

Illumina Laboratory Services, Illumina
Classification: Benign for Saethre-Chotzen syndrome. Last evaluated: 2018-01-12. Review status: criteria provided, single submitter. Criteria: ICSL Variant Classification Criteria 13 December 2019. Collection method: clinical testing. Allele origin: germline.
Comment: the same text as in the submission from Illumina Laboratory Services, Illumina above.

Illumina Laboratory Services, Illumina
Classification: Benign for Craniosynostosis. Last evaluated: 2018-01-12. Review status: criteria provided, single submitter. Criteria: ICSL Variant Classification Criteria 13 December 2019. Collection method: clinical testing. Allele origin: germline.
Comment: the same text as in the submission from Illumina Laboratory Services, Illumina above.

Illumina Laboratory Services, Illumina
Classification: Benign for Crouzon syndrome. Last evaluated: 2018-01-12. Review status: criteria provided, single submitter. Criteria: ICSL Variant Classification Criteria 13 December 2019. Collection method: clinical testing. Allele origin: germline.
Comment: the same text as in the submission from Illumina Laboratory Services, Illumina above.

Illumina Laboratory Services, Illumina
Classification: Likely benign for Isolated coronal synostosis. Last evaluated: 2018-01-12. Review status: criteria provided, single submitter. Criteria: ICSL Variant Classification Criteria 13 December 2019. Collection method: clinical testing. Allele origin: germline.
Comment: This variant was observed in the ICSL laboratory as part of a predisposition screen in an ostensibly healthy population. It had not been previously curated by ICSL or reported in the Human Gene Mutation Database (HGMD: prior to June 1st, 2018), and was therefore a candidate for classification through an automated scoring system. Utilizing variant allele frequency, disease prevalence and penetrance estimates, and inheritance mode, an automated score was calculated to assess if this variant is too frequent to cause the disease. Based on the score and internal cut-off values, a variant classified as likely benign is not then subjected to further curation. The score for this variant resulted in a classification of likely benign for this disease.